The following is an entry in ClinVar:

NM_000322.5(PRPH2):c.623_625dup (p.Gly208dup)

Gene: PRPH2 (peripherin 2; minus strand). Cytogenetic location: 6p21.1.
Variant type: Duplication.
Coding change: c.623_625dup on transcript NM_000322.5 (MANE Select); coding-DNA positions 623 to 625, 3 bases duplicated (GCG; older notation c.623_625dupGCG).
Protein change: p.Gly208dup; duplicates glycine 208.
Molecular consequence: inframe insertion.
Genome position (GRCh38, 1-based): chr6:42,704,568-42,704,570, CGC duplicated on the plus strand (GCG on the coding strand, the reverse complement: PRPH2 is on the minus strand); duplicating any 3 consecutive bases within chr6:42,704,568-42,704,572 gives the same sequence; the c. name uses the placement nearest the transcript's 3' end. VCF-style (leftmost placement, unchanged base first): chr6-42704567-A-ACGC. GRCh37 (hg19) VCF-style: chr6-42672305-A-ACGC.
Other names: c.623_625dupGCG (NM_000322.5).
Identifiers: ClinVar variation 1175263 (VCV001175263.2), dbSNP rs2152005366, ClinGen allele CA2499218279.
Genomic context (GRCh38, chr6:42,704,567, plus strand): 5'-TTGGTGATCTGATACTGGATGCAGGGCCGTGGCGAGCTAGGATTGCAGCAGCTGAAAGGG[A>ACGC]CGCCGTCCACCAGGTACCGCCCATCCACGTTGCTCTTGATTCGACTTAAAGGGAAACAGA-3'

ClinVar aggregate classification (germline): Uncertain significance. Review status: criteria provided, single submitter (1 of 4 stars). 2 submissions from 2 submitters: Uncertain significance (1). 1 of the submissions does not count toward it. Last evaluated 2023-10-01.

Conditions:
Retinal dystrophy. Also called: Inherited retinal dystrophy. Identifiers: Orphanet 71862, MedGen C0854723, MeSH D058499, MONDO:0019118, HP:0000556.

Submissions (2):

Dept Of Ophthalmology, Nagoya University
Classification: Uncertain significance for Retinal dystrophy. Last evaluated: 2023-10-01. Review status: criteria provided, single submitter. Criteria: Submitter's publication. Collection method: research. Allele origin: germline. Affected: yes.

Leiden Open Variation Database
Classification: Uncertain significance. Last evaluated: 2020-06-19. Review status: no assertion criteria provided. Collection method: curation. Allele origin: germline. Affected: yes. Not counted in ClinVar's aggregate classification.
Comment: Curator: Global Variome, with Curator vacancy. Submitter to LOVD: Yoshito Koyanagi.

Literature cited by the submitters: PubMed 31213501 (cited by Leiden Open Variation Database).